The following is an entry in ClinVar:

ClinVar aggregate classification (germline): Likely pathogenic (0 of 4 stars; one submission).

Conditions:
Macrothrombocytopenia. Identifiers: MedGen C2751260, HP:0040185.

Submission:

ISTH-SSC Genomics in Thrombosis and Hemostasis, KU Leuven, Center for Molecular and Vascular Biology
Classification: Likely pathogenic for Macrothrombocytopenia. Review status: no assertion criteria provided. Collection method: research. Allele origin: unknown. Affected: yes.
Comment: Submitted to GoldVariant by Dr Karyn Mégy from NIHR Bioresource - Cambridge University, UK

NM_001110556.2(FLNA):c.5989dup (p.Cys1997fs)

Gene: FLNA (filamin A; minus strand). Cytogenetic location: Xq28.
Variant type: Duplication.
Coding change: c.5989dup on transcript NM_001110556.2 (MANE Select); coding-DNA position 5989, one base duplicated (T; older notation c.5989dupT).
Protein change: p.Cys1997fs; shifts the reading frame from cysteine 1997.
Molecular consequence: frameshift variant.
Genome position (GRCh38, 1-based): chrX:154,353,329, A duplicated on the plus strand (T on the coding strand, the reverse complement: FLNA is on the minus strand). VCF-style (leftmost placement, unchanged base first): chrX-154353328-C-CA. GRCh37 (hg19) VCF-style: chrX-153581696-C-CA.
Other names: c.5965dup, p.Cys1989fs (NM_001456.4); short protein forms C1989fs, C1997fs.
Identifiers: ClinVar variation 1684468 (VCV001684468.1), dbSNP rs2148105341, ClinGen allele CA2573159424.